The following is an entry in ClinVar:

NM_004655.4(AXIN2):c.1091C>G (p.Pro364Arg)

Gene: AXIN2 (axin 2; minus strand). Cytogenetic location: 17q24.1.
Variant type: single nucleotide variant.
Coding change: c.1091C>G on transcript NM_004655.4 (MANE Select); coding-DNA position 1091, C replaced by G.
Protein change: p.Pro364Arg; replaces proline 364 with arginine.
Molecular consequence: missense variant.
Genome position (GRCh38, 1-based): chr17:65,538,312, G>C on the plus strand (C>G on the coding strand, the complement: AXIN2 is on the minus strand). VCF-style: chr17-65538312-G-C. GRCh37 (hg19) VCF-style: chr17-63534430-G-C.
Other names: c.1091C>G, p.Pro364Arg (NM_001363813.1); short protein forms P364R.
Identifiers: ClinVar variation 3814705 (VCV003814705.1).
Genomic context (GRCh38, chr17:65,538,312, plus strand): 5'-TCCAGCTTCAGCTTTTCCAGCCTCGAGATCAGCTCAGCTGCAAAGGTGGCGGGTTCCACG[G>C]GGGTCATCTCCTTGGGCAGGCGGTGGGTTCTCTACAGGACGTGGAAAGGAAAGGGAGGAG-3'
Protein context (NP_004646.3, residues 354-374): RTHRLPKEMT[Pro364Arg]VEPATFAAEL

ClinVar aggregate classification (germline): Uncertain significance (1 of 4 stars; one submission).

Conditions:
Hereditary cancer-predisposing syndrome. Also called: Hereditary neoplastic syndrome; Neoplastic Syndromes, Hereditary; Tumor predisposition; Hereditary Cancer Syndrome. Identifiers: Orphanet 140162, MedGen C0027672, MeSH D009386, MONDO:0015356.

Submission:

Ambry Genetics
Classification: Uncertain significance for Hereditary cancer-predisposing syndrome. Last evaluated: 2025-02-27. Review status: criteria provided, single submitter. Criteria: Ambry Variant Classification Scheme 2023. Collection method: clinical testing. Allele origin: germline.
Comment: The p.P364R variant (also known as c.1091C>G), located in coding exon 4 of the AXIN2 gene, results from a C to G substitution at nucleotide position 1091. The proline at codon 364 is replaced by arginine, an amino acid with dissimilar properties. This amino acid position is conserved. In addition, this alteration is predicted to be deleterious by in silico analysis. Based on the available evidence, the clinical significance of this variant remains unclear.